The following is an entry in ClinVar:

ClinVar aggregate classification (germline): Uncertain significance. Review status: criteria provided, multiple submitters, no conflicts (2 of 4 stars). 2 submissions from 2 submitters: Uncertain significance (2). Last evaluated 2023-03-31.

Conditions:
Congenital myasthenic syndrome 9. Also called: Myasthenic syndrome, congenital, 9, associated with acetylcholine receptor deficiency. Identifiers: Orphanet 590, MedGen C4225368, MONDO:0014587, OMIM 616325.
Fetal akinesia deformation sequence 1 (FADS1). Also called: Fetal akinesia sequence; Pena-Shokeir syndrome type I. Identifiers: Orphanet 994, MedGen C1276035, MONDO:0100101, OMIM 208150, HP:0001989.
Inborn genetic diseases. Identifiers: MedGen C0950123, MeSH D030342.

Allele frequency attached by ClinVar (database versions not stated): gnomAD 0.00001; gnomAD exomes 0.00001; ExAC 0.00002; TOPMed 0.00003.
gnomAD v4.1: 25 of 1,613,812 alleles (0.0015%); highest among the groups gnomAD compares: Non-Finnish European, 0.0019%; no homozygotes.

Submissions (2):

Ambry Genetics
Classification: Uncertain significance for Inborn genetic diseases. Last evaluated: 2023-03-31. Review status: criteria provided, single submitter. Criteria: Ambry Variant Classification Scheme 2023. Collection method: clinical testing. Allele origin: germline.

Labcorp Genetics (formerly Invitae), Labcorp
Classification: Uncertain significance for Congenital myasthenic syndrome 9; Fetal akinesia deformation sequence 1. Last evaluated: 2021-08-27. Review status: criteria provided, single submitter. Criteria: Invitae Variant Classification Sherloc (09022015). Collection method: clinical testing. Allele origin: germline.
Comment: This sequence change replaces histidine with aspartic acid at codon 427 of the MUSK protein (p.His427Asp). The histidine residue is moderately conserved and there is a moderate physicochemical difference between histidine and aspartic acid. This variant is present in population databases (rs751266636, ExAC 0.003%). This variant has not been reported in the literature in individuals affected with MUSK-related conditions. Algorithms developed to predict the effect of missense changes on protein structure and function (SIFT, PolyPhen-2, Align-GVGD) all suggest that this variant is likely to be tolerated. In summary, the available evidence is currently insufficient to determine the role of this variant in disease. Therefore, it has been classified as a Variant of Uncertain Significance.

NM_005592.4(MUSK):c.1279C>G (p.His427Asp)

Gene: MUSK (muscle associated receptor tyrosine kinase; plus strand). Cytogenetic location: 9q31.3.
Variant type: single nucleotide variant.
Coding change: c.1279C>G on transcript NM_005592.4 (MANE Select); coding-DNA position 1279, C replaced by G.
Protein change: p.His427Asp; replaces histidine 427 with aspartic acid.
Molecular consequence: missense variant.
Genome position (GRCh38, 1-based): chr9:110,775,882, C>G. VCF-style: chr9-110775882-C-G. GRCh37 (hg19) VCF-style: chr9-113538162-C-G.
Other names: c.1045C>G, p.His349Asp (NM_001166280.2); c.1015C>G, p.His339Asp (NM_001166281.2); c.43C>G, p.His15Asp (NM_001369398.1); c.1279C>G (NM_005592.3); short protein forms H15D, H339D, H349D, H427D.
Identifiers: ClinVar variation 1002689 (VCV001002689.7), dbSNP rs751266636, ClinGen allele CA5184318.